The following is an entry in ClinVar:

NM_015450.3(POT1):c.56G>T (p.Gly19Val)

Gene: POT1 (protection of telomeres 1; minus strand). Cytogenetic location: 7q31.33.
Variant type: single nucleotide variant.
Coding change: c.56G>T on transcript NM_015450.3 (MANE Select); coding-DNA position 56, G replaced by T.
Protein change: p.Gly19Val; replaces glycine 19 with valine.
Molecular consequence: missense variant. On other transcripts: 5 prime UTR variant (1), non-coding transcript variant (3).
Genome position (GRCh38, 1-based): chr7:124,892,334, C>A on the plus strand (G>T on the coding strand, the complement: POT1 is on the minus strand). VCF-style: chr7-124892334-C-A. GRCh37 (hg19) VCF-style: chr7-124532388-C-A.
Other names: c.-207G>T (NM_001042594.2); short protein forms G19V.
Identifiers: ClinVar variation 1749163 (VCV001749163.5), dbSNP rs1334143931, ClinGen allele CA369066167.

ClinVar aggregate classification (germline): Uncertain significance. Review status: criteria provided, multiple submitters, no conflicts (2 of 4 stars). 2 submissions from 2 submitters: Uncertain significance (2). Last evaluated 2023-04-07.

Conditions:
Tumor predisposition syndrome 3 (TPDS3). Also called: Melanoma, cutaneous malignant, susceptibility to, 10; Glioma susceptibility 9; LONG TELOMERE SYNDROME, POT1-RELATED; POT1 Tumor Predisposition. Identifiers: Orphanet 618, MedGen C4014476, MONDO:0014368, OMIM 615848.
Hereditary cancer-predisposing syndrome. Also called: Hereditary Cancer Syndrome; Hereditary neoplastic syndrome; Neoplastic Syndromes, Hereditary; Tumor predisposition. Identifiers: Orphanet 140162, MedGen C0027672, MeSH D009386, MONDO:0015356.

Allele frequency attached by ClinVar (database versions not stated): TOPMed below 0.00001.

Submissions (2):

Labcorp Genetics (formerly Invitae), Labcorp
Classification: Uncertain significance for Tumor predisposition syndrome 3. Last evaluated: 2023-04-07. Review status: criteria provided, single submitter. Criteria: Invitae Variant Classification Sherloc (09022015). Collection method: clinical testing. Allele origin: germline.
Comment: In summary, the available evidence is currently insufficient to determine the role of this variant in disease. Therefore, it has been classified as a Variant of Uncertain Significance. Algorithms developed to predict the effect of sequence changes on RNA splicing suggest that this variant may disrupt the consensus splice site. Advanced modeling of protein sequence and biophysical properties (such as structural, functional, and spatial information, amino acid conservation, physicochemical variation, residue mobility, and thermodynamic stability) performed at Invitae indicates that this missense variant is not expected to disrupt POT1 protein function. ClinVar contains an entry for this variant (Variation ID: 1749163). This variant has not been reported in the literature in individuals affected with POT1-related conditions. This variant is not present in population databases (gnomAD no frequency). This sequence change replaces glycine, which is neutral and non-polar, with valine, which is neutral and non-polar, at codon 19 of the POT1 protein (p.Gly19Val).

Ambry Genetics
Classification: Uncertain significance for Hereditary cancer-predisposing syndrome. Last evaluated: 2020-02-25. Review status: criteria provided, single submitter. Criteria: Ambry Variant Classification Scheme 2023. Collection method: clinical testing. Allele origin: germline.
Comment: The p.G19V variant (also known as c.56G>T), located in coding exon 2 of the POT1 gene, results from a G to T substitution at nucleotide position 56. The glycine at codon 19 is replaced by valine, an amino acid with dissimilar properties. This amino acid position is not well conserved in available vertebrate species. In addition, this alteration is predicted to be tolerated by in silico analysis. Since supporting evidence is limited at this time, the clinical significance of this alteration remains unclear.